The following is an entry in ClinVar:

ClinVar aggregate classification (germline): Uncertain significance (1 of 4 stars; one submission).

Submission:

Labcorp Genetics (formerly Invitae), Labcorp
Classification: Uncertain significance. Last evaluated: 2025-02-10. Review status: criteria provided, single submitter. Criteria: Invitae Variant Classification Sherloc (09022015). Collection method: clinical testing. Allele origin: germline.
Comment: This sequence change replaces cysteine, which is neutral and slightly polar, with arginine, which is basic and polar, at codon 78 of the IKZF1 protein (p.Cys78Arg). This variant is not present in population databases (gnomAD no frequency). This variant has not been reported in the literature in individuals affected with IKZF1-related conditions. An algorithm developed to predict the effect of missense changes on protein structure and function (PolyPhen-2) suggests that this variant is likely to be disruptive. In summary, the available evidence is currently insufficient to determine the role of this variant in disease. Therefore, it has been classified as a Variant of Uncertain Significance.

NM_006060.6(IKZF1):c.232T>C (p.Cys78Arg)

Gene: IKZF1 (IKAROS family zinc finger 1; plus strand). Cytogenetic location: 7p12.2.
Variant type: single nucleotide variant.
Coding change: c.232T>C on transcript NM_006060.6 (MANE Select); coding-DNA position 232, T replaced by C.
Protein change: p.Cys78Arg; replaces cysteine 78 with arginine.
Molecular consequence: missense variant. On other transcripts: intron variant (9).
Genome position (GRCh38, 1-based): chr7:50,376,604, T>C. VCF-style: chr7-50376604-T-C. GRCh37 (hg19) VCF-style: chr7-50444302-T-C.
Other names: c.232T>C, p.Cys78Arg (NM_001220765.3, NM_001220768.2, NM_001220771.2 and 1 more transcripts); c.292T>C, p.Cys98Arg (NM_001410879.1); c.161-5936T>C (NM_001291839.2, NM_001291838.2, NM_001220767.2 and 1 more transcripts); c.161-10741T>C (NM_001291841.1, NM_001291842.1); c.161-15125T>C (NM_001291843.1, NM_001291844.1); c.161-23314T>C (NM_001291840.1); short protein forms C78R, C98R.
Identifiers: ClinVar variation 4712717 (VCV004712717.1).
Genomic context (GRCh38, chr7:50,376,604, plus strand): 5'-AAAGTAGAGACTCAGAGTGATGAAGAGAATGGGCGTGCCTGTGAAATGAATGGGGAAGAA[T>C]GTGCGGAGGATTTACGAATGCTTGATGCCTCGGGAGAGAAAATGAATGGCTCCCACAGGG-3'
Protein context (NP_006051.1, residues 68-88): GRACEMNGEE[Cys78Arg]AEDLRMLDAS